The following is an entry in ClinVar:

ClinVar aggregate classification (germline): Uncertain significance (1 of 4 stars; one submission).

Conditions:
Hereditary spastic paraplegia 47. Also called: adaptor protein 4 (AP-4) deficiency syndrome; CEREBRAL PALSY, SPASTIC QUADRIPLEGIC, 5; Spastic paraplegia 47, autosomal recessive. Identifiers: Orphanet 280763, MedGen C3279738, MONDO:0013551, OMIM 614066.

Submission:

Labcorp Genetics (formerly Invitae), Labcorp
Classification: Uncertain significance for Hereditary spastic paraplegia 47. Last evaluated: 2022-06-05. Review status: criteria provided, single submitter. Criteria: Invitae Variant Classification Sherloc (09022015). Collection method: clinical testing. Allele origin: germline.
Comment: ClinVar contains an entry for this variant (Variation ID: 1403078). This sequence change replaces arginine, which is basic and polar, with glycine, which is neutral and non-polar, at codon 138 of the AP4B1 protein (p.Arg138Gly). This variant is not present in population databases (gnomAD no frequency). This variant has not been reported in the literature in individuals affected with AP4B1-related conditions. Algorithms developed to predict the effect of missense changes on protein structure and function are either unavailable or do not agree on the potential impact of this missense change (SIFT: "Deleterious"; PolyPhen-2: "Probably Damaging"; Align-GVGD: "Class C0"). In summary, the available evidence is currently insufficient to determine the role of this variant in disease. Therefore, it has been classified as a Variant of Uncertain Significance.

NM_001253852.3(AP4B1):c.412A>G (p.Arg138Gly)

Gene: AP4B1 (adaptor related protein complex 4 subunit beta 1; minus strand). Cytogenetic location: 1p13.2.
Variant type: single nucleotide variant.
Coding change: c.412A>G on transcript NM_001253852.3 (MANE Select); coding-DNA position 412, A replaced by G.
Protein change: p.Arg138Gly; replaces arginine 138 with glycine.
Molecular consequence: missense variant. On other transcripts: intron variant (1).
Genome position (GRCh38, 1-based): chr1:113,901,812, T>C on the plus strand (A>G on the coding strand, the complement: AP4B1 is on the minus strand). VCF-style: chr1-113901812-T-C. GRCh37 (hg19) VCF-style: chr1-114444434-T-C.
Other names: c.115A>G, p.Arg39Gly (NM_001253853.3); c.412A>G, p.Arg138Gly (NM_006594.5); c.114-1412A>G (NM_001308312.2); short protein forms R138G, R39G.
Identifiers: ClinVar variation 1403078 (VCV001403078.6), dbSNP rs943287870, ClinGen allele CA28972806.